The following is an entry in ClinVar:

NM_012338.4(TSPAN12):c.18C>T (p.Ser6=)

Gene: TSPAN12 (tetraspanin 12; minus strand). Cytogenetic location: 7q31.31.
Variant type: single nucleotide variant.
Coding change: c.18C>T on transcript NM_012338.4 (MANE Select); coding-DNA position 18, C replaced by T.
Protein change: p.Ser6=; no amino-acid change (serine 6 retained).
Molecular consequence: synonymous variant.
Genome position (GRCh38, 1-based): chr7:120,856,746, G>A on the plus strand (C>T on the coding strand, the complement: TSPAN12 is on the minus strand). VCF-style: chr7-120856746-G-A. GRCh37 (hg19) VCF-style: chr7-120496800-G-A.
Identifiers: ClinVar variation 3389800 (VCV003389800.14).
Genomic context (GRCh38, chr7:120,856,746, plus strand): 5'-AAACTTACTTACCCAAAAGAGCAGATTGAGGGCGTAGAGCAGGCAGCGCAGACACTTCAC[G>A]GAATCTTCTCTGGCCATTGTGAGCCCCGTAAGGGAGAAGCCCCATCCTTTCACCACATCC-3'
Protein context (NP_036470.1, residues 1-16): MARED[Ser6=]VKCLRCLLYA

ClinVar aggregate classification (germline): Likely benign (1 of 4 stars; one submission).

Submission:

CeGaT Center for Human Genetics Tuebingen
Classification: Likely benign. Last evaluated: 2024-10-01. Review status: criteria provided, single submitter. Criteria: CeGaT Center For Human Genetics Tuebingen Variant Classification Criteria Version 2. Collection method: clinical testing. Allele origin: germline. Affected: yes. Observed: 1 variant allele.
Comment: TSPAN12: BP4, BP7